The following is an entry in ClinVar:

ClinVar aggregate classification (germline): Uncertain significance. Review status: criteria provided, multiple submitters, no conflicts (2 of 4 stars). 2 submissions from 2 submitters: Uncertain significance (2). Last evaluated 2025-09-11.

Conditions:
Inborn genetic diseases. Identifiers: MedGen C0950123, MeSH D030342.

Allele frequency attached by ClinVar (database versions not stated): ExAC 0.00001; gnomAD 0.00001; TOPMed 0.00002; gnomAD exomes 0.00004.
gnomAD v4.1: 61 of 1,613,850 alleles (0.0038%); highest among the groups gnomAD compares: Non-Finnish European, 0.0051%; no homozygotes.

Submissions (2):

Ambry Genetics
Classification: Uncertain significance for Inborn genetic diseases. Last evaluated: 2025-09-11. Review status: criteria provided, single submitter. Criteria: Ambry Variant Classification Scheme 2023. Collection method: clinical testing. Allele origin: germline.

Labcorp Genetics (formerly Invitae), Labcorp
Classification: Uncertain significance. Last evaluated: 2024-11-27. Review status: criteria provided, single submitter. Criteria: Invitae Variant Classification Sherloc (09022015). Collection method: clinical testing. Allele origin: germline.
Comment: This sequence change replaces threonine, which is neutral and polar, with asparagine, which is neutral and polar, at codon 1399 of the ROBO1 protein (p.Thr1399Asn). This variant is present in population databases (rs754058534, gnomAD 0.002%). This variant has not been reported in the literature in individuals affected with ROBO1-related conditions. ClinVar contains an entry for this variant (Variation ID: 2315600). An algorithm developed to predict the effect of missense changes on protein structure and function (PolyPhen-2) suggests that this variant is likely to be disruptive. In summary, the available evidence is currently insufficient to determine the role of this variant in disease. Therefore, it has been classified as a Variant of Uncertain Significance.

NM_002941.4(ROBO1):c.4196C>A (p.Thr1399Asn)

Gene: ROBO1 (roundabout guidance receptor 1; minus strand). Cytogenetic location: 3p12.3.
Variant type: single nucleotide variant.
Coding change: c.4196C>A on transcript NM_002941.4 (MANE Select); coding-DNA position 4196, C replaced by A.
Protein change: p.Thr1399Asn; replaces threonine 1399 with asparagine.
Molecular consequence: missense variant.
Genome position (GRCh38, 1-based): chr3:78,617,721, G>T on the plus strand (C>A on the coding strand, the complement: ROBO1 is on the minus strand). VCF-style: chr3-78617721-G-T. GRCh37 (hg19) VCF-style: chr3-78666871-G-T.
Other names: c.4061C>A, p.Thr1354Asn (NM_001145844.1, NM_133631.4); c.3896C>A, p.Thr1299Asn (NM_001145845.2); short protein forms T1399N, T1299N, T1354N.
Identifiers: ClinVar variation 2315600 (VCV002315600.6), dbSNP rs754058534, ClinGen allele CA2498172.